The following is an entry in ClinVar:

ClinVar aggregate classification (germline): Uncertain significance (1 of 4 stars; one submission).

Submission:

GeneDx
Classification: Uncertain significance. Last evaluated: 2026-01-27. Review status: criteria provided, single submitter. Criteria: GeneDx Variant Classification Process June 2021. Collection method: clinical testing. Allele origin: germline.
Comment: Not observed at significant frequency in large population cohorts (gnomAD); In silico analysis suggests that this missense variant does not alter protein structure/function; Has not been previously published as pathogenic or benign to our knowledge

NM_000271.5(NPC1):c.3779G>T (p.Ser1260Ile)

Gene: NPC1 (NPC intracellular cholesterol transporter 1; minus strand). Cytogenetic location: 18q11.2.
Variant type: single nucleotide variant.
Coding change: c.3779G>T on transcript NM_000271.5 (MANE Select); coding-DNA position 3779, G replaced by T.
Protein change: p.Ser1260Ile; replaces serine 1260 with isoleucine.
Molecular consequence: missense variant.
Genome position (GRCh38, 1-based): chr18:23,532,260, C>A on the plus strand (G>T on the coding strand, the complement: NPC1 is on the minus strand). VCF-style: chr18-23532260-C-A. GRCh37 (hg19) VCF-style: chr18-21112224-C-A.
Other names: short protein forms S1260I.
Identifiers: ClinVar variation 4537706 (VCV004537706.2).